The following is an entry in ClinVar:

NM_001458.5(FLNC):c.6121G>T (p.Ala2041Ser)

Genes: FLNC (filamin C; plus strand), FLNC-AS1 (FLNC antisense RNA 1; minus strand). Cytogenetic location: 7q32.1.
Variant type: single nucleotide variant.
Coding change: c.6121G>T on transcript NM_001458.5 (MANE Select); coding-DNA position 6121, G replaced by T.
Protein change: p.Ala2041Ser; replaces alanine 2041 with serine.
Molecular consequence: missense variant.
Genome position (GRCh38, 1-based): chr7:128,852,944, G>T. VCF-style: chr7-128852944-G-T. GRCh37 (hg19) VCF-style: chr7-128492998-G-T.
Other names: c.6022G>T, p.Ala2008Ser (NM_001127487.2); short protein forms A2041S, A2008S.
Identifiers: ClinVar variation 956870 (VCV000956870.12), dbSNP rs745842738, ClinGen allele CA369211304.
Genomic context (GRCh38, chr7:128,852,944, plus strand): 5'-GGCAAGCATGTCACCAACAGCCCCTTCAAGATCCTGGTGGGGCCATCTGAGATCGGGGAC[G>T]CCAGCAAGGTGCGGGTCTGGGGCAAGGGGCTTTCCGAGGGACACACATTCCAGGTGGCAG-3'
Protein context (NP_001449.3, residues 2031-2051): ILVGPSEIGD[Ala2041Ser]SKVRVWGKGL

ClinVar aggregate classification (germline): Uncertain significance. Review status: criteria provided, multiple submitters, no conflicts (2 of 4 stars). 3 submissions from 3 submitters: Uncertain significance (3). Last evaluated 2025-12-16.

Conditions:
Cardiovascular phenotype. Identifiers: MedGen CN230736.
FLNC-related disorder. Also called: FLNC-related disorders; FLNC-related condition.
Distal myopathy with posterior leg and anterior hand involvement. Also called: WILLIAMS DISTAL MYOPATHY. Identifiers: Orphanet 63273, MedGen C3279722, MONDO:0013550, OMIM 614065.
Hypertrophic cardiomyopathy 26. Also called: Cardiomyopathy, familial hypertrophic, 26. Identifiers: Orphanet 75249, MedGen C4310749, MONDO:0014883, OMIM 617047.
Myofibrillar myopathy 5. Also called: Filaminopathy (type); FILAMINOPATHY, AUTOSOMAL DOMINANT. Identifiers: Orphanet 171445, MedGen C1836050, MONDO:0012289, OMIM 609524.

gnomAD v4.1: 1 of 1,613,582 alleles (0.000062%); highest among the groups gnomAD compares: Non-Finnish European, 0.000085%; no homozygotes.

Submissions (3):

Labcorp Genetics (formerly Invitae), Labcorp
Classification: Uncertain significance for Distal myopathy with posterior leg and anterior hand involvement; Myofibrillar myopathy 5; Hypertrophic cardiomyopathy 26. Last evaluated: 2025-12-16. Review status: criteria provided, single submitter. Criteria: Invitae Variant Classification Sherloc (09022015). Collection method: clinical testing. Allele origin: germline.
Comment: This sequence change replaces alanine, which is neutral and non-polar, with serine, which is neutral and polar, at codon 2041 of the FLNC protein (p.Ala2041Ser). This variant is not present in population databases (gnomAD no frequency). This variant has not been reported in the literature in individuals affected with FLNC-related conditions. ClinVar contains an entry for this variant (Variation ID: 956870). Invitae Evidence Modeling of protein sequence and biophysical properties (such as structural, functional, and spatial information, amino acid conservation, physicochemical variation, residue mobility, and thermodynamic stability) has been performed for this missense variant. However, the output from this modeling did not meet the statistical confidence thresholds required to predict the impact of this variant on FLNC protein function. In summary, the available evidence is currently insufficient to determine the role of this variant in disease. Therefore, it has been classified as a Variant of Uncertain Significance.

Ambry Genetics
Classification: Uncertain significance for Cardiovascular phenotype. Last evaluated: 2024-05-02. Review status: criteria provided, single submitter. Criteria: Ambry Variant Classification Scheme 2023. Collection method: clinical testing. Allele origin: germline.
Comment: The p.A2041S variant (also known as c.6121G>T), located in coding exon 37 of the FLNC gene, results from a G to T substitution at nucleotide position 6121. The alanine at codon 2041 is replaced by serine, an amino acid with similar properties. This amino acid position is conserved. In addition, this alteration is predicted to be deleterious by in silico analysis. Based on the available evidence, the clinical significance of this variant remains unclear.

PreventionGenetics, part of Exact Sciences
Classification: Uncertain significance for FLNC-related condition. Last evaluated: 2023-09-11. Review status: criteria provided, single submitter. Criteria: ACMG Guidelines, 2015. Collection method: clinical testing. Allele origin: germline.
Comment: The FLNC c.6121G>T variant is predicted to result in the amino acid substitution p.Ala2041Ser. To our knowledge, this variant has not been reported in the literature or in a large population database, indicating this variant is rare. At this time, the clinical significance of this variant is uncertain due to the absence of conclusive functional and genetic evidence.